The following is an entry in ClinVar:

NM_001159699.2(FHL1):c.424T>C (p.Cys142Arg)

Gene: FHL1 (four and a half LIM domains 1; plus strand). Cytogenetic location: Xq26.3.
Variant type: single nucleotide variant.
Coding change: c.424T>C on transcript NM_001159699.2 (MANE Select); coding-DNA position 424, T replaced by C.
Protein change: p.Cys142Arg; replaces cysteine 142 with arginine.
Molecular consequence: missense variant. On other transcripts: non-coding transcript variant (1).
Genome position (GRCh38, 1-based): chrX:136,207,836, T>C. VCF-style: chrX-136207836-T-C. GRCh37 (hg19) VCF-style: chrX-135289995-T-C.
Other names: c.376T>C, p.Cys126Arg (NM_001159700.2, NM_001159702.3, NM_001159703.2 and 9 more transcripts); c.463T>C, p.Cys155Arg (NM_001159701.2); c.424T>C, p.Cys142Arg (NM_001330659.2); short protein forms C126R, C142R, C155R.
Identifiers: ClinVar variation 580682 (VCV000580682.11), dbSNP rs1569530450, ClinGen allele CA414608382.

ClinVar aggregate classification (germline): Uncertain significance (1 of 4 stars; one submission).

Conditions:
X-linked myopathy with postural muscle atrophy. Also called: FHL1-Related Emery-Dreifuss Muscular Dystrophy, X-Linked. Identifiers: Orphanet 178461, MedGen C2678055, MONDO:0010401, OMIM 300696.

Submission:

Labcorp Genetics (formerly Invitae), Labcorp
Classification: Uncertain significance for X-linked myopathy with postural muscle atrophy. Last evaluated: 2022-06-04. Review status: criteria provided, single submitter. Criteria: Invitae Variant Classification Sherloc (09022015). Collection method: clinical testing. Allele origin: germline.
Comment: This variant is not present in population databases (gnomAD no frequency). In summary, the available evidence is currently insufficient to determine the role of this variant in disease. Therefore, it has been classified as a Variant of Uncertain Significance. Algorithms developed to predict the effect of missense changes on protein structure and function (SIFT, PolyPhen-2, Align-GVGD) all suggest that this variant is likely to be disruptive. ClinVar contains an entry for this variant (Variation ID: 580682). This variant has not been reported in the literature in individuals affected with FHL1-related conditions. This sequence change replaces cysteine, which is neutral and slightly polar, with arginine, which is basic and polar, at codon 126 of the FHL1 protein (p.Cys126Arg).